The following is an entry in ClinVar:

NM_001376.5(DYNC1H1):c.11855A>G (p.Gln3952Arg)

Gene: DYNC1H1 (dynein cytoplasmic 1 heavy chain 1; plus strand). Cytogenetic location: 14q32.31.
Variant type: single nucleotide variant.
Coding change: c.11855A>G on transcript NM_001376.5 (MANE Select); coding-DNA position 11855, A replaced by G.
Protein change: p.Gln3952Arg; replaces glutamine 3952 with arginine.
Molecular consequence: missense variant.
Genome position (GRCh38, 1-based): chr14:102,040,400, A>G. VCF-style: chr14-102040400-A-G. GRCh37 (hg19) VCF-style: chr14-102506737-A-G.
Other names: short protein forms Q3952R.
Identifiers: ClinVar variation 646234 (VCV000646234.8), dbSNP rs1595630600, ClinGen allele CA391037098.

ClinVar aggregate classification (germline): Uncertain significance (1 of 4 stars; one submission).

Conditions:
Charcot-Marie-Tooth disease axonal type 2O. Also called: Charcot-Marie-Tooth Neuropathy Type 2O; CHARCOT-MARIE-TOOTH NEUROPATHY, AXONAL, TYPE 2O; CHARCOT-MARIE-TOOTH DISEASE, AXONAL, AUTOSOMAL DOMINANT, TYPE 2O; Charcot-Marie-Tooth disease, axonal, type 20. Identifiers: Orphanet 284232, MedGen C3280220, MONDO:0013644, OMIM 614228.

Submission:

Labcorp Genetics (formerly Invitae), Labcorp
Classification: Uncertain significance for Charcot-Marie-Tooth disease axonal type 2O. Last evaluated: 2018-08-06. Review status: criteria provided, single submitter. Criteria: Invitae Variant Classification Sherloc (09022015). Collection method: clinical testing. Allele origin: germline.
Comment: In summary, the available evidence is currently insufficient to determine the role of this variant in disease. Therefore, it has been classified as a Variant of Uncertain Significance. Algorithms developed to predict the effect of missense changes on protein structure and function (SIFT, PolyPhen-2, Align-GVGD) all suggest that this variant is likely to be tolerated, but these predictions have not been confirmed by published functional studies and their clinical significance is uncertain. This variant has not been reported in the literature in individuals with DYNC1H1-related disease. This variant is not present in population databases (ExAC no frequency). This sequence change replaces glutamine with arginine at codon 3952 of the DYNC1H1 protein (p.Gln3952Arg). The glutamine residue is highly conserved and there is a small physicochemical difference between glutamine and arginine. Algorithms developed to predict the effect of sequence changes on RNA splicing suggest that this variant may create or strengthen a splice site, but this prediction has not been confirmed by published transcriptional studies.